The following is an entry in ClinVar:

NM_021100.5(NFS1):c.437A>G (p.Lys146Arg)

Gene: NFS1 (NFS1 cysteine desulfurase; minus strand). Cytogenetic location: 20q11.22.
Variant type: single nucleotide variant.
Coding change: c.437A>G on transcript NM_021100.5 (MANE Select); coding-DNA position 437, A replaced by G.
Protein change: p.Lys146Arg; replaces lysine 146 with arginine.
Molecular consequence: missense variant. On other transcripts: non-coding transcript variant (1), intron variant (1).
Genome position (GRCh38, 1-based): chr20:35,690,537, T>C on the plus strand (A>G on the coding strand, the complement: NFS1 is on the minus strand). VCF-style: chr20-35690537-T-C. GRCh37 (hg19) VCF-style: chr20-34278459-T-C.
Other names: c.408+5840A>G (NM_001198989.2); short protein forms K146R.
Identifiers: ClinVar variation 1292437 (VCV001292437.40), dbSNP rs112446981, ClinGen allele CA9837242.

ClinVar aggregate classification (germline): Benign/Likely benign. Review status: criteria provided, multiple submitters, no conflicts (2 of 4 stars). 5 submissions from 5 submitters: Benign (3); Likely benign (1). 1 of the submissions does not count toward it. Last evaluated 2026-08-01.

Conditions:
NFS1-related disorder. Also called: NFS1-related condition.

Allele frequency attached by ClinVar (database versions not stated): 1000 Genomes Project 30x 0.00047; 1000 Genomes Project 0.00060; gnomAD 0.00390 and 0.00413; gnomAD exomes 0.00418; TOPMed 0.00420; ExAC 0.00439; ESP Exome Variant Server 0.00477.

Submissions (5):

CeGaT Center for Human Genetics Tuebingen
Classification: Likely benign. Last evaluated: 2026-08-01. Review status: criteria provided, single submitter. Criteria: CeGaT Center For Human Genetics Tuebingen Variant Classification Criteria Version 2. Collection method: clinical testing. Allele origin: germline. Affected: yes. Observed: 15 variant alleles.
Comment: NFS1: BS2

Labcorp Genetics (formerly Invitae), Labcorp
Classification: Benign. Last evaluated: 2026-01-14. Review status: criteria provided, single submitter. Criteria: Invitae Variant Classification Sherloc (09022015). Collection method: clinical testing. Allele origin: germline.

GeneDx
Classification: Benign. Last evaluated: 2020-01-30. Review status: criteria provided, single submitter. Criteria: GeneDx Variant Classification Process June 2021. Collection method: clinical testing. Allele origin: germline. Affected: yes.

Breakthrough Genomics
Classification: Benign. Review status: criteria provided, single submitter. Criteria: ACMG Guidelines, 2015. Collection method: not provided. Allele origin: germline. Inheritance: Autosomal recessive inheritance. Affected: yes.

PreventionGenetics, part of Exact Sciences
Classification: Benign for NFS1-related condition. Last evaluated: 2019-10-17. Review status: no assertion criteria provided. Collection method: clinical testing. Allele origin: germline. Not counted in ClinVar's aggregate classification.
Comment: This variant is classified as benign based on ACMG/AMP sequence variant interpretation guidelines (Richards et al. 2015 PMID: 25741868, with internal and published modifications).